The following is an entry in ClinVar:

ClinVar aggregate classification (germline): Conflicting classifications of pathogenicity. Review status: criteria provided, conflicting classifications (1 of 4 stars). 6 submissions from 6 submitters: Uncertain significance (1); Benign (1); Likely benign (4). Last evaluated 2025-12-03.

Conditions:
Hereditary diffuse gastric adenocarcinoma (HDGC). Also called: DIFFUSE GASTRIC AND LOBULAR BREAST CANCER SYNDROME. Identifiers: Orphanet 26106, MedGen C1708349, MONDO:0007648, OMIM 137215.
Hereditary cancer-predisposing syndrome. Also called: Neoplastic Syndromes, Hereditary; Hereditary neoplastic syndrome; Tumor predisposition; Hereditary Cancer Syndrome. Identifiers: Orphanet 140162, MedGen C0027672, MeSH D009386, MONDO:0015356.

Allele frequency attached by ClinVar (database versions not stated): gnomAD exomes below 0.00001 and 0.00001; ExAC 0.00001; gnomAD 0.00001.
gnomAD v4.1: 9 of 1,614,018 alleles (0.00056%); highest among the groups gnomAD compares: Admixed American, 0.005%; no homozygotes.

Submissions (6):

Labcorp Genetics (formerly Invitae), Labcorp
Classification: Likely benign for Hereditary diffuse gastric adenocarcinoma. Last evaluated: 2025-12-03. Review status: criteria provided, single submitter. Criteria: Invitae Variant Classification Sherloc (09022015). Collection method: clinical testing. Allele origin: germline.

Myriad Genetics, Inc.
Classification: Benign for Hereditary diffuse gastric adenocarcinoma. Last evaluated: 2024-09-20. Review status: criteria provided, single submitter. Criteria: Myriad Autosomal Dominant, Autosomal Recessive and X-Linked Classification Criteria (2023). Collection method: clinical testing. Allele origin: unknown.
Comment: This variant is considered benign. This variant is a silent/synonymous amino acid change and it is not expected to impact splicing.

European Reference Network on Genetic Tumour Risk Syndromes (ERN-GENTURIS), i3s - Instituto de Investigação e Inovação em Saúde, University of Porto
Classification: Uncertain significance for Hereditary diffuse gastric adenocarcinoma. Last evaluated: 2022-08-01. Review status: criteria provided, single submitter. Criteria: Lee et al. (Hum Mutat. 2018). Collection method: clinical testing. Allele origin: germline. Inheritance: Autosomal dominant inheritance. Affected: no. Study: ERN GENTURIS.
Comment: Not applicable criteria (PMID: 30311375)

Sema4
Classification: Likely benign for Hereditary cancer-predisposing syndrome. Last evaluated: 2021-06-27. Review status: criteria provided, single submitter. Criteria: Sema4 Curation Guidelines. Collection method: curation. Allele origin: germline.

Ambry Genetics
Classification: Likely benign for Hereditary cancer-predisposing syndrome. Last evaluated: 2018-10-01. Review status: criteria provided, single submitter. Criteria: Ambry Variant Classification Scheme 2023. Collection method: clinical testing. Allele origin: germline.

GeneDx
Classification: Likely benign. Last evaluated: 2017-02-24. Review status: criteria provided, single submitter. Criteria: GeneDx Variant Classification (06012015). Collection method: clinical testing. Allele origin: germline. Affected: yes.
Comment: This variant is considered likely benign or benign based on one or more of the following criteria: it is a conservative change, it occurs at a poorly conserved position in the protein, it is predicted to be benign by multiple in silico algorithms, and/or has population frequency not consistent with disease.

Literature cited by the submitters: PubMed 36436516 (cited by European Reference Network on Genetic Tumour Risk Syndromes (ERN-GENTURIS), i3s - Instituto de Investigação e Inovação em Saúde, University of Porto).

NM_004360.5(CDH1):c.1842C>T (p.Ile614=)

Gene: CDH1 (cadherin 1; plus strand). Cytogenetic location: 16q22.1.
Variant type: single nucleotide variant.
Coding change: c.1842C>T on transcript NM_004360.5 (MANE Select); coding-DNA position 1842, C replaced by T.
Protein change: p.Ile614=; no amino-acid change (isoleucine 614 retained).
Molecular consequence: synonymous variant. On other transcripts: 5 prime UTR variant (1).
Genome position (GRCh38, 1-based): chr16:68,822,131, C>T. VCF-style: chr16-68822131-C-T. GRCh37 (hg19) VCF-style: chr16-68856034-C-T.
Other names: c.1842C>T (LRG_301t1, NM_004360.4); c.1659C>T, p.Ile553= (NM_001317184.2); c.294C>T, p.Ile98= (NM_001317185.2); c.-124C>T (NM_001317186.2).
Identifiers: ClinVar variation 386546 (VCV000386546.15), dbSNP rs773368593, ClinGen allele CA8130157.